The following is an entry in ClinVar:

NM_001370694.2(ANO7):c.2265C>T (p.Asn755=)

Gene: ANO7 (anoctamin 7; plus strand). Cytogenetic location: 2q37.3.
Variant type: single nucleotide variant.
Coding change: c.2265C>T on transcript NM_001370694.2 (MANE Select); coding-DNA position 2265, C replaced by T.
Protein change: p.Asn755=; no amino-acid change (asparagine 755 retained).
Molecular consequence: synonymous variant.
Genome position (GRCh38, 1-based): chr2:241,218,325, C>T. VCF-style: chr2-241218325-C-T. GRCh37 (hg19) VCF-style: chr2-242157740-C-T.
Other names: c.2427C>T (NM_001001891.3).
Identifiers: ClinVar variation 718070 (VCV000718070.28), dbSNP rs202170152, ClinGen allele CA2215583.
Genomic context (GRCh38, chr2:241,218,325, plus strand): 5'-CTTCCTGCCGCGCGCCTACTACCGGTGGACCCGCGCCCACGACCTGCGCGGCTTCCTCAA[C>T]TTCACGCTGGCGCGAGCCCCGTCCTCCTTCGCCGCCGCGCACAACCGCACGTGCAGGTGA-3'
Protein context (NP_001357623.1, residues 745-765): TRAHDLRGFL[Asn755=]FTLARAPSSF

ClinVar aggregate classification (germline): Benign/Likely benign. Review status: criteria provided, multiple submitters, no conflicts (2 of 4 stars). 3 submissions from 3 submitters: Benign (2); Likely benign (1). Last evaluated 2023-01-01.

Allele frequency attached by ClinVar (database versions not stated): ESP Exome Variant Server 0.00360; gnomAD exomes 0.00497; TOPMed 0.00515; 1000 Genomes Project 0.00519; ExAC 0.00877.
gnomAD v4.1: 10,720 of 1,517,044 alleles (0.71%); highest among the groups gnomAD compares: South Asian, 0.91%; 58 homozygotes.

Submissions (3):

CeGaT Center for Human Genetics Tuebingen
Classification: Likely benign. Last evaluated: 2023-01-01. Review status: criteria provided, single submitter. Criteria: CeGaT Center For Human Genetics Tuebingen Variant Classification Criteria Version 2. Collection method: clinical testing. Allele origin: germline. Affected: yes. Observed: 2 variant alleles.
Comment: ANO7: BP4, BP7, BS2

Labcorp Genetics (formerly Invitae), Labcorp
Classification: Benign. Last evaluated: 2018-05-14. Review status: criteria provided, single submitter. Criteria: Invitae Variant Classification Sherloc (09022015). Collection method: clinical testing. Allele origin: germline.

Breakthrough Genomics
Classification: Benign. Review status: criteria provided, single submitter. Criteria: ACMG Guidelines, 2015. Collection method: not provided. Allele origin: germline. Inheritance: Unknown mechanism. Affected: yes.